The following is an entry in ClinVar:

NM_017763.6(RNF43):c.1141C>A (p.Pro381Thr)

Gene: RNF43 (ring finger protein 43; minus strand). Cytogenetic location: 17q22.
Variant type: single nucleotide variant.
Coding change: c.1141C>A on transcript NM_017763.6 (MANE Select); coding-DNA position 1141, C replaced by A.
Protein change: p.Pro381Thr; replaces proline 381 with threonine.
Molecular consequence: missense variant.
Genome position (GRCh38, 1-based): chr17:58,358,635, G>T on the plus strand (C>A on the coding strand, the complement: RNF43 is on the minus strand). VCF-style: chr17-58358635-G-T. GRCh37 (hg19) VCF-style: chr17-56435996-G-T.
Other names: c.1141C>A, p.Pro381Thr (NM_001305544.3); c.760C>A, p.Pro254Thr (NM_001305545.2); short protein forms P381T, P254T.
Identifiers: ClinVar variation 3155440 (VCV003155440.2), dbSNP rs2143422742, ClinGen allele CA400331439.

ClinVar aggregate classification (germline): Uncertain significance (1 of 4 stars; one submission).

Allele frequency attached by ClinVar (database versions not stated): gnomAD exomes below 0.00001.

Submission:

Ambry Genetics
Classification: Uncertain significance. Last evaluated: 2024-11-25. Review status: criteria provided, single submitter. Criteria: Ambry Variant Classification Scheme 2023. Collection method: clinical testing. Allele origin: germline.
Comment: The p.P381T variant (also known as c.1141C>A), located in coding exon 8 of the RNF43 gene, results from a C to A substitution at nucleotide position 1141. The proline at codon 381 is replaced by threonine, an amino acid with highly similar properties. This amino acid position is conserved. In addition, this alteration is predicted to be tolerated by in silico analysis. Based on the available evidence, the clinical significance of this variant remains unclear.